The following is an entry in ClinVar:

ClinVar aggregate classification (germline): Conflicting classifications of pathogenicity. Review status: criteria provided, conflicting classifications (1 of 4 stars). 3 submissions from 3 submitters: Uncertain significance (2); Likely benign (1). Last evaluated 2025-08-07.

Conditions:
Inborn genetic diseases. Identifiers: MedGen C0950123, MeSH D030342.
Hyperphosphatasia with impaired intellectual development syndrome 2. Also called: GLYCOSYLPHOSPHATIDYLINOSITOL BIOSYNTHESIS DEFECT 6; Hyperphosphatasia with intellectual disability syndrome 2. Identifiers: Orphanet 247262, MedGen C3553637, MONDO:0013882, OMIM 614749.

Allele frequency attached by ClinVar (database versions not stated): ExAC 0.00002; gnomAD exomes 0.00001 and 0.00002; TOPMed 0.00002.
gnomAD v4.1: 6 of 1,614,252 alleles (0.00037%); highest among the groups gnomAD compares: Admixed American, 0.01%; no homozygotes.

Submissions (3):

Ambry Genetics
Classification: Likely benign for Inborn genetic diseases. Last evaluated: 2025-08-07. Review status: criteria provided, single submitter. Criteria: Ambry Variant Classification Scheme 2023. Collection method: clinical testing. Allele origin: germline.

Labcorp Genetics (formerly Invitae), Labcorp
Classification: Uncertain significance for Hyperphosphatasia with impaired intellectual development syndrome 2. Last evaluated: 2024-11-11. Review status: criteria provided, single submitter. Criteria: Invitae Variant Classification Sherloc (09022015). Collection method: clinical testing. Allele origin: germline.
Comment: This sequence change replaces valine, which is neutral and non-polar, with methionine, which is neutral and non-polar, at codon 487 of the PIGO protein (p.Val487Met). This variant is present in population databases (rs762885128, gnomAD 0.01%). This variant has not been reported in the literature in individuals affected with PIGO-related conditions. ClinVar contains an entry for this variant (Variation ID: 1309115). Invitae Evidence Modeling of protein sequence and biophysical properties (such as structural, functional, and spatial information, amino acid conservation, physicochemical variation, residue mobility, and thermodynamic stability) indicates that this missense variant is not expected to disrupt PIGO protein function with a negative predictive value of 95%. In summary, the available evidence is currently insufficient to determine the role of this variant in disease. Therefore, it has been classified as a Variant of Uncertain Significance.

GeneDx
Classification: Uncertain significance. Last evaluated: 2019-10-14. Review status: criteria provided, single submitter. Criteria: GeneDx Variant Classification Process June 2021. Collection method: clinical testing. Allele origin: germline. Affected: yes.
Comment: Not observed at a significant frequency in large population cohorts (Lek et al., 2016); Has not been previously published as pathogenic or benign to our knowledge

NM_032634.4(PIGO):c.1459G>A (p.Val487Met)

Gene: PIGO (phosphatidylinositol glycan anchor biosynthesis class O; minus strand). Cytogenetic location: 9p13.3.
Variant type: single nucleotide variant.
Coding change: c.1459G>A on transcript NM_032634.4 (MANE Select); coding-DNA position 1459, G replaced by A.
Protein change: p.Val487Met; replaces valine 487 with methionine.
Molecular consequence: missense variant. On other transcripts: intron variant (2).
Genome position (GRCh38, 1-based): chr9:35,092,428, C>T on the plus strand (G>A on the coding strand, the complement: PIGO is on the minus strand). VCF-style: chr9-35092428-C-T. GRCh37 (hg19) VCF-style: chr9-35092425-C-T.
Other names: c.1344+115G>A (NM_152850.4, NM_001201484.2); short protein forms V487M.
Identifiers: ClinVar variation 1309115 (VCV001309115.7), dbSNP rs762885128, ClinGen allele CA5040628.
Genomic context (GRCh38, chr9:35,092,428, plus strand): 5'-TCAGCTCAATAGTTCCCAGGAGTCCAGCATACGCTATGGCCCCAACCAGGCCCCAGGCCA[C>T]AGGTGTCAGGAGTAGAGGGCAGAATGGAAAGCCTGGGGATATTGCCCACTGAGATGCCAG-3'
Protein context (NP_116023.2, residues 477-497): FPFCPLLLTP[Val487Met]AWGLVGAIAY